The following is an entry in ClinVar:

NM_130837.3(OPA1):c.85C>G (p.Pro29Ala)

Gene: OPA1 (OPA1 mitochondrial dynamin like GTPase; plus strand). Cytogenetic location: 3q29.
Variant type: single nucleotide variant.
Coding change: c.85C>G on transcript NM_130837.3 (MANE Select); coding-DNA position 85, C replaced by G.
Protein change: p.Pro29Ala; replaces proline 29 with alanine.
Molecular consequence: missense variant. On other transcripts: 5 prime UTR variant (2).
Genome position (GRCh38, 1-based): chr3:193,614,775, C>G. VCF-style: chr3-193614775-C-G. GRCh37 (hg19) VCF-style: chr3-193332564-C-G.
Other names: c.-288C>G (NM_001354663.2, NM_001354664.2); c.85C>G, p.Pro29Ala (NM_015560.3, NM_130831.3, NM_130832.3 and 4 more transcripts); c.85C>G (NM_130837.2); short protein forms P29A.
Identifiers: ClinVar variation 496871 (VCV000496871.21), dbSNP rs145565705, ClinGen allele CA2758932.

ClinVar aggregate classification (germline): Conflicting classifications of pathogenicity. Review status: criteria provided, conflicting classifications (1 of 4 stars). 9 submissions from 9 submitters: Uncertain significance (3); Benign (1); Likely benign (4). 1 of the submissions does not count toward it. Last evaluated 2026-08-06.

Conditions:
OPA1-related disorder. Also called: OPA1-related condition; OPA1-related disorders.
Inborn genetic diseases. Identifiers: MedGen C0950123, MeSH D030342.
Mitochondrial DNA depletion syndrome 14B (cardioencephalomyopathic type). Also called: Mitochondrial DNA depletion syndrome 14 (cardioencephalomyopathic type); Mitochondrial DNA depletion syndrome 14 (encephalocardiomyopathic type). Identifiers: MedGen C6065890, MONDO:0014820, OMIM 616896.
Optic atrophy with or without deafness, ophthalmoplegia, myopathy, ataxia, and neuropathy. Also called: OPTIC ATROPHY PLUS SYNDROME. Identifiers: MedGen C3276549, MONDO:0007429, OMIM 125250.

Allele frequency attached by ClinVar (database versions not stated): gnomAD exomes 0.00025 and 0.00007; TOPMed 0.00105; gnomAD 0.00098 and 0.00103; ESP Exome Variant Server 0.00123; 1000 Genomes Project 30x 0.00109; ExAC 0.00031; 1000 Genomes Project 0.00140.
gnomAD v4.1: 272 of 1,614,070 alleles (0.017%); highest among the groups gnomAD compares: African/African-American, 0.29%; 1 homozygote.

Submissions (9):

OLLIN Analises Genomicas, OLLIN
Classification: Uncertain significance for Optic atrophy with or without deafness, ophthalmoplegia, myopathy, ataxia, and neuropathy. Last evaluated: 2026-08-06. Review status: criteria provided, single submitter. Criteria: ACMG Guidelines 2015 PMID 25741868. Collection method: clinical testing. Allele origin: germline. Inheritance: Autosomal recessive inheritance.
Comment: This missense variant, located in exon 2 (of 31), has been reported in ClinVar (accession VCV000496871.19) and in gnomAD with an allele frequency of 0.017%. However, to our knowledge, it has not been reported in the scientific literature. In silico analysis is inconclusive regarding the impact of this variant. According to the currently available evidence, this variant has been classified as uncertain significance (BS2).

Labcorp Genetics (formerly Invitae), Labcorp
Classification: Likely benign. Last evaluated: 2026-01-11. Review status: criteria provided, single submitter. Criteria: Invitae Variant Classification Sherloc (09022015). Collection method: clinical testing. Allele origin: germline.

Blueprint Genetics
Classification: Likely benign. Last evaluated: 2023-06-07. Review status: criteria provided, single submitter. Criteria: ACMG Guidelines, 2015. Collection method: clinical testing. Allele origin: germline.

Ambry Genetics
Classification: Likely benign for Inborn genetic diseases. Last evaluated: 2021-08-23. Review status: criteria provided, single submitter. Criteria: Ambry Variant Classification Scheme 2023. Collection method: clinical testing. Allele origin: germline.

GeneDx
Classification: Likely benign. Last evaluated: 2021-06-18. Review status: criteria provided, single submitter. Criteria: GeneDx Variant Classification Process June 2021. Collection method: clinical testing. Allele origin: germline. Affected: yes.

Athena Diagnostics
Classification: Benign. Last evaluated: 2020-11-16. Review status: criteria provided, single submitter. Criteria: Athena Diagnostics criteria. Collection method: clinical testing. Allele origin: unknown.

Baylor Genetics
Classification: Uncertain significance for Mitochondrial DNA depletion syndrome 14B (cardioencephalomyopathic type). Last evaluated: 2018-02-08. Review status: criteria provided, single submitter. Criteria: ACMG Guidelines, 2015. Collection method: clinical testing. Allele origin: paternal. Affected: yes.
Comment: This variant was determined to be of uncertain significance according to ACMG Guidelines, 2015 [PMID:25741868].

Eurofins Ntd Llc (ga)
Classification: Uncertain significance. Last evaluated: 2017-02-27. Review status: criteria provided, single submitter. Criteria: EGL Classification Definitions 2015. Collection method: clinical testing. Allele origin: germline. Observed: 2 variant alleles, 2 heterozygotes.

PreventionGenetics, part of Exact Sciences
Classification: Likely benign for OPA1-related condition. Last evaluated: 2024-03-15. Review status: no assertion criteria provided. Collection method: clinical testing. Allele origin: germline. Not counted in ClinVar's aggregate classification.
Comment: This variant is classified as likely benign based on ACMG/AMP sequence variant interpretation guidelines (Richards et al. 2015 PMID: 25741868, with internal and published modifications).